The following is an entry in ClinVar:

ClinVar aggregate classification (germline): Uncertain significance (1 of 4 stars; one submission).

Conditions:
Mucopolysaccharidosis, MPS-IV-A (MPS4A). Also called: Mucopolysaccharidosis type IV A; Mucopolysaccharidosis Type IVA; Morquio syndrome A, mild; MORQUIO SYNDROME A; MPS IVA; mucopolysaccharidosis type 4A. Identifiers: Orphanet 309297, Orphanet 582, MedGen C0086651, MONDO:0009659, OMIM 253000.

Allele frequency attached by ClinVar (database versions not stated): gnomAD exomes below 0.00001.
gnomAD v4.1: 1 of 1,613,334 alleles (0.000062%); highest among the groups gnomAD compares: Non-Finnish European, 0.000085%; no homozygotes.

Submission:

Laboratory of Diagnosis and Therapy of Lysosomal Disorders, University of Padova
Classification: Uncertain significance for Mucopolysaccharidosis, MPS-IV-A. Last evaluated: 2021-02-01. Review status: criteria provided, single submitter. Criteria: ACMG Guidelines, 2015. Collection method: curation. Allele origin: germline. Affected: yes.
Comment: In vitro functional studies supportive of a damaging effect on the gene product (low in vitro enzymatic activity; PS3_supporting); absent from gnomAD v2.1.1 (PM2_moderate)

Literature cited by the submitters: PubMed 16287098; PubMed 34387910.

NM_000512.5(GALNS):c.1184T>C (p.Leu395Pro)

Gene: GALNS (galactosamine (N-acetyl)-6-sulfatase; minus strand). Cytogenetic location: 16q24.3.
Variant type: single nucleotide variant.
Coding change: c.1184T>C on transcript NM_000512.5 (MANE Select); coding-DNA position 1184, T replaced by C.
Protein change: p.Leu395Pro; replaces leucine 395 with proline.
Molecular consequence: missense variant.
Genome position (GRCh38, 1-based): chr16:88,824,825, A>G on the plus strand (T>C on the coding strand, the complement: GALNS is on the minus strand). VCF-style: chr16-88824825-A-G. GRCh37 (hg19) VCF-style: chr16-88891233-A-G.
Other names: c.629T>C, p.Leu210Pro (NM_001323543.2); c.1202T>C, p.Leu401Pro (NM_001323544.2); short protein forms L210P, L395P, L401P.
Identifiers: ClinVar variation 1048325 (VCV001048325.3), dbSNP rs1227964288, ClinGen allele CA397097622.